The following is an entry in ClinVar:

NM_001378120.1(MBD5):c.4399G>T (p.Val1467Phe)

Gene: MBD5 (methyl-CpG binding domain protein 5; plus strand). Cytogenetic location: 2q23.1.
Variant type: single nucleotide variant.
Coding change: c.4399G>T on transcript NM_001378120.1 (MANE Select); coding-DNA position 4399, G replaced by T.
Protein change: p.Val1467Phe; replaces valine 1467 with phenylalanine.
Molecular consequence: missense variant.
Genome position (GRCh38, 1-based): chr2:148,490,031, G>T. VCF-style: chr2-148490031-G-T. GRCh37 (hg19) VCF-style: chr2-149247600-G-T.
Other names: c.3700G>T, p.Val1234Phe (NM_018328.5); short protein forms V1234F, V1467F.
Identifiers: ClinVar variation 3899696 (VCV003899696.1).
Genomic context (GRCh38, chr2:148,490,031, plus strand): 5'-GAATTTTTAGATCATCCAGGCCATATCCACAGTAGTCCTTGTCATGAAAGGCCCAACAAT[G>T]TCTCTACACTGCCATTTCTGCCTGGGGAACAGCACCCAATACTGTTACCACCAAGAAACT-3'
Protein context (NP_001365049.1, residues 1457-1477): SSPCHERPNN[Val1467Phe]STLPFLPGEQ

ClinVar aggregate classification (germline): Uncertain significance (1 of 4 stars; one submission).

gnomAD v4.1: 1 of 1,613,774 alleles (0.000062%); highest among the groups gnomAD compares: Non-Finnish European, 0.000085%; no homozygotes.

Submission:

GeneDx
Classification: Uncertain significance. Last evaluated: 2024-11-14. Review status: criteria provided, single submitter. Criteria: GeneDx Variant Classification Process June 2021. Collection method: clinical testing. Allele origin: germline. Affected: yes.
Comment: Not observed at significant frequency in large population cohorts (gnomAD); In silico analysis indicates that this missense variant does not alter protein structure/function; Has not been previously published as pathogenic or benign to our knowledge